The following is an entry in ClinVar:

NR_033294.2(SNORD118):n.97T>C

Genes: SNORD118 (small nucleolar RNA, C/D box 118; minus strand), TMEM107 (transmembrane protein 107; minus strand). Cytogenetic location: 17p13.1.
Variant type: single nucleotide variant.
Molecular consequence: non-coding transcript variant (on NR_033294.2). On other transcripts: 3 prime UTR variant (5).
Genome position: GRCh38 VCF-style: chr17-8173492-A-G. GRCh37 (hg19) VCF-style: chr17-8076810-A-G.
Other names: c.*711T>C (NM_001351278.2, NM_001351279.2, NM_001351280.2 and 2 more transcripts).
Identifiers: ClinVar variation 1927692 (VCV001927692.6), dbSNP rs748365395, ClinGen allele CA287524115.

ClinVar aggregate classification (germline): Uncertain significance. Review status: criteria provided, multiple submitters, no conflicts (2 of 4 stars). 2 submissions from 2 submitters: Uncertain significance (2). Last evaluated 2022-08-23.

Allele frequency attached by ClinVar (database versions not stated): gnomAD 0.00005; TOPMed 0.00006.
gnomAD v4.1: 17 of 765,216 alleles (0.0022%); highest among the groups gnomAD compares: Middle Eastern, 0.024%; no homozygotes.

Submissions (2):

Labcorp Genetics (formerly Invitae), Labcorp
Classification: Uncertain significance. Last evaluated: 2022-08-23. Review status: criteria provided, single submitter. Criteria: Invitae Variant Classification Sherloc (09022015). Collection method: clinical testing. Allele origin: germline.
Comment: In summary, the available evidence is currently insufficient to determine the role of this variant in disease. Therefore, it has been classified as a Variant of Uncertain Significance. Experimental studies and prediction algorithms are not available or were not evaluated, and the functional significance of this variant is currently unknown. This variant has not been reported in the literature in individuals affected with SNORD118-related conditions. This variant is present in population databases (no rsID available, gnomAD 0.02%). This variant occurs in a non-coding region of the SNORD118 gene. It does not change the encoded amino acid sequence of the SNORD118 protein.

Blueprint Genetics
Classification: Uncertain significance. Last evaluated: 2022-03-29. Review status: criteria provided, single submitter. Criteria: ACMG Guidelines, 2015. Collection method: clinical testing. Allele origin: germline.